The following is an entry in ClinVar:

ClinVar aggregate classification (germline): Uncertain significance (1 of 4 stars; one submission).

Conditions:
MORC2-related disorder. Also called: MORC2-related condition.

gnomAD v4.1: 10 of 1,613,756 alleles (0.00062%); highest among the groups gnomAD compares: Non-Finnish European, 0.00076%; no homozygotes.

Submission:

PreventionGenetics, part of Exact Sciences
Classification: Uncertain significance for MORC2-related condition. Last evaluated: 2026-07-22. Review status: criteria provided, single submitter. Criteria: ACMG Guidelines, 2015. Collection method: clinical testing. Allele origin: germline.
Comment: The MORC2 c.974C>T variant is predicted to result in the amino acid substitution p.Thr325Met. To our knowledge, this variant has not been reported in the literature. This variant is reported in 0.00088% of alleles in individuals of European (Non-Finnish) descent in gnomAD. At this time, the clinical significance of this variant is uncertain due to the absence of conclusive functional and genetic evidence.

NM_001303256.3(MORC2):c.974C>T (p.Thr325Met)

Gene: MORC2 (MORC family CW-type zinc finger 2; minus strand). Cytogenetic location: 22q12.2.
Variant type: single nucleotide variant.
Coding change: c.974C>T on transcript NM_001303256.3 (MANE Select); coding-DNA position 974, C replaced by T.
Protein change: p.Thr325Met; replaces threonine 325 with methionine.
Molecular consequence: missense variant.
Genome position (GRCh38, 1-based): chr22:30,939,972, G>A on the plus strand (C>T on the coding strand, the complement: MORC2 is on the minus strand). VCF-style: chr22-30939972-G-A. GRCh37 (hg19) VCF-style: chr22-31335959-G-A.
Other names: c.974C>T, p.Thr325Met (NM_001303257.2); c.788C>T, p.Thr263Met (NM_014941.3); short protein forms T325M, T263M.
Identifiers: ClinVar variation 4992170 (VCV004992170.1).